The following is an entry in ClinVar:

NM_000089.4(COL1A2):c.2426C>A (p.Pro809His)

Gene: COL1A2 (collagen type I alpha 2 chain; plus strand). Cytogenetic location: 7q21.3.
Variant type: single nucleotide variant.
Coding change: c.2426C>A on transcript NM_000089.4 (MANE Select); coding-DNA position 2426, C replaced by A.
Protein change: p.Pro809His; replaces proline 809 with histidine.
Molecular consequence: missense variant.
Genome position (GRCh38, 1-based): chr7:94,422,979, C>A. VCF-style: chr7-94422979-C-A. GRCh37 (hg19) VCF-style: chr7-94052291-C-A.
Other names: short protein forms P809H.
Identifiers: ClinVar variation 3027129 (VCV003027129.22), dbSNP rs2484729367, ClinGen allele CA368223911.

ClinVar aggregate classification (germline): Uncertain significance (1 of 4 stars; one submission).

Submission:

CeGaT Center for Human Genetics Tuebingen
Classification: Uncertain significance. Last evaluated: 2024-05-01. Review status: criteria provided, single submitter. Criteria: CeGaT Center For Human Genetics Tuebingen Variant Classification Criteria Version 2. Collection method: clinical testing. Allele origin: germline. Affected: yes. Observed: 2 variant alleles.
Comment: COL1A2: PM1, PM2